The following is an entry in ClinVar:

ClinVar aggregate classification (germline): Uncertain significance (1 of 4 stars; one submission).

Conditions:
Early-infantile DEE. Also called: Ohtahara syndrome; Early infantile epileptic encephalopathy; Early infantile epileptic encephalopathy with suppression bursts. Identifiers: Orphanet 1934, MedGen C0393706, MONDO:0800491.

Submission:

Labcorp Genetics (formerly Invitae), Labcorp
Classification: Uncertain significance for Early-infantile DEE. Last evaluated: 2025-12-13. Review status: criteria provided, single submitter. Criteria: Invitae Variant Classification Sherloc (09022015). Collection method: clinical testing. Allele origin: germline.
Comment: This sequence change creates a premature translational stop signal (p.Val1874Serfs*78) in the SCN8A gene. While this is not anticipated to result in nonsense mediated decay, it is expected to disrupt the last 107 amino acid(s) of the SCN8A protein. This variant is not present in population databases (gnomAD no frequency). This variant has not been reported in the literature in individuals affected with SCN8A-related conditions. ClinVar contains an entry for this variant (Variation ID: 3661447). Experimental studies and prediction algorithms are not available or were not evaluated, and the functional significance of this variant is currently unknown. In summary, the available evidence is currently insufficient to determine the role of this variant in disease. Therefore, it has been classified as a Variant of Uncertain Significance.

NM_001330260.2(SCN8A):c.5617_5618dup (p.Val1874fs)

Gene: SCN8A (sodium voltage-gated channel alpha subunit 8; plus strand). Cytogenetic location: 12q13.13.
Variant type: Duplication.
Coding change: c.5617_5618dup on transcript NM_001330260.2 (MANE Select); coding-DNA positions 5617 to 5618, 2 bases duplicated (TT; older notation c.5617_5618dupTT).
Protein change: p.Val1874fs; shifts the reading frame from valine 1874.
Molecular consequence: frameshift variant.
Genome position (GRCh38, 1-based): chr12:51,807,103-51,807,104, TT duplicated. VCF-style (leftmost placement, unchanged base first): chr12-51807102-G-GTT. GRCh37 (hg19) VCF-style: chr12-52200886-G-GTT.
Other names: c.5494_5495dup, p.Val1833fs (NM_001177984.3, NM_001369788.1); c.5617_5618dup, p.Val1874fs (NM_014191.4); short protein forms V1874fs, V1833fs.
Identifiers: ClinVar variation 3661447 (VCV003661447.2).